The following is an entry in ClinVar:

ClinVar aggregate classification (germline): Uncertain significance (1 of 4 stars; one submission).

Submission:

Ambry Genetics
Classification: Uncertain significance. Last evaluated: 2025-02-11. Review status: criteria provided, single submitter. Criteria: Ambry Variant Classification Scheme 2023. Collection method: clinical testing. Allele origin: germline.
Comment: The p.G359C variant (also known as c.1075G>T), located in coding exon 8 of the ATRIP gene, results from a G to T substitution at nucleotide position 1075. The glycine at codon 359 is replaced by cysteine, an amino acid with highly dissimilar properties. This amino acid position is conserved. In addition, this alteration is predicted to be tolerated by in silico analysis. Based on the available evidence, the clinical significance of this variant remains unclear.

NM_130384.3(ATRIP):c.1075G>T (p.Gly359Cys)

Genes: ATRIP (ATR interacting protein; plus strand), ATRIP-TREX1 (ATRIP-TREX1 readthrough; plus strand). Cytogenetic location: 3p21.31.
Variant type: single nucleotide variant.
Coding change: c.1075G>T on transcript NM_130384.3 (MANE Select); coding-DNA position 1075, G replaced by T.
Protein change: p.Gly359Cys; replaces glycine 359 with cysteine.
Molecular consequence: missense variant. On other transcripts: non-coding transcript variant (1).
Genome position (GRCh38, 1-based): chr3:48,460,129, G>T. VCF-style: chr3-48460129-G-T. GRCh37 (hg19) VCF-style: chr3-48501528-G-T.
Other names: c.694G>T, p.Gly232Cys (NM_001271022.2); c.796G>T, p.Gly266Cys (NM_001271023.2); c.1075G>T, p.Gly359Cys (NM_032166.4); short protein forms G266C, G232C, G359C.
Identifiers: ClinVar variation 3810674 (VCV003810674.1).